The following is an entry in ClinVar:

ClinVar aggregate classification (germline): Pathogenic (1 of 4 stars; one submission).

Conditions:
Fanconi anemia complementation group J. Also called: BRIP1-Related Fanconi Anemia. Identifiers: Orphanet 84, MedGen C1836860, MONDO:0012187, OMIM 609054.
Familial cancer of breast. Also called: BREAST CANCER, FAMILIAL; Hereditary breast cancer; hereditary breast carcinoma. Identifiers: Orphanet 227535, MedGen C0346153, MONDO:0016419, OMIM 114480. Disease mechanism: loss of function.

Submission:

Labcorp Genetics (formerly Invitae), Labcorp
Classification: Pathogenic for Familial cancer of breast; Fanconi anemia complementation group J. Last evaluated: 2025-10-01. Review status: criteria provided, single submitter. Criteria: Invitae Variant Classification Sherloc (09022015). Collection method: clinical testing. Allele origin: germline.
Comment: This sequence change creates a premature translational stop signal (p.Met480Asnfs*31) in the BRIP1 gene. It is expected to result in an absent or disrupted protein product. Loss-of-function variants in BRIP1 are known to be pathogenic (PMID: 16116423, 17033622, 21964575). This variant is not present in population databases (gnomAD no frequency). This variant has not been reported in the literature in individuals affected with BRIP1-related conditions. ClinVar contains an entry for this variant (Variation ID: 3760374). For these reasons, this variant has been classified as Pathogenic.

Literature cited by the submitters: PubMed 16116423; PubMed 17033622; PubMed 21964575.

NM_032043.3(BRIP1):c.1438dup (p.Met480fs)

Gene: BRIP1 (BRCA1 interacting DNA helicase 1; minus strand). Cytogenetic location: 17q23.2.
Variant type: Duplication.
Coding change: c.1438dup on transcript NM_032043.3 (MANE Select); coding-DNA position 1438, one base duplicated (A; older notation c.1438dupA).
Protein change: p.Met480fs; shifts the reading frame from methionine 480.
Molecular consequence: frameshift variant.
Genome position (GRCh38, 1-based): chr17:61,793,632, T duplicated on the plus strand (A on the coding strand, the reverse complement: BRIP1 is on the minus strand); the first of 4 consecutive T bases (chr17:61,793,632-61,793,635); duplicating any one gives the same sequence. VCF-style (leftmost placement, unchanged base first): chr17-61793631-A-AT. GRCh37 (hg19) VCF-style: chr17-59870992-A-AT.
Other names: short protein forms M480fs.
Identifiers: ClinVar variation 3760374 (VCV003760374.2).